The following is an entry in ClinVar:

ClinVar aggregate classification (germline): Uncertain significance (1 of 4 stars; one submission).

Conditions:
TMEM165-congenital disorder of glycosylation. Also called: Congenital disorder of glycosylation type 2k; TMEM165-CDG; CDG IIk. Identifiers: Orphanet 314667, MedGen C3553571, MONDO:0013870, OMIM 614727.

Submission:

Labcorp Genetics (formerly Invitae), Labcorp
Classification: Uncertain significance for TMEM165-congenital disorder of glycosylation. Last evaluated: 2022-06-22. Review status: criteria provided, single submitter. Criteria: Invitae Variant Classification Sherloc (09022015). Collection method: clinical testing. Allele origin: germline.
Comment: In summary, the available evidence is currently insufficient to determine the role of this variant in disease. Therefore, it has been classified as a Variant of Uncertain Significance. Experimental studies and prediction algorithms are not available or were not evaluated, and the functional significance of this variant is currently unknown. This variant has not been reported in the literature in individuals affected with TMEM165-related conditions. Information on the frequency of this variant in the gnomAD database is not available, as this variant may be reported differently in the database. This sequence change replaces proline, which is neutral and non-polar, with arginine, which is basic and polar, at codon 6 of the TMEM165 protein (p.Pro6Arg).

NM_018475.5(TMEM165):c.17_18delinsGG (p.Pro6Arg)

Genes: TMEM165 (transmembrane protein 165; plus strand), LOC129992613 (ATAC-STARR-seq lymphoblastoid silent region 15439; plus strand). Cytogenetic location: 4q12.
Variant type: Indel.
Coding change: c.17_18delinsGG on transcript NM_018475.5 (MANE Select); coding-DNA positions 17 to 18, CA replaced by GG.
Protein change: p.Pro6Arg; replaces proline 6 with arginine.
Molecular consequence: missense variant. On other transcripts: non-coding transcript variant (1).
Genome position (GRCh38, 1-based): chr4:55,396,206-55,396,207, CA replaced by GG. VCF-style: chr4-55396206-CA-GG. GRCh37 (hg19) VCF-style: chr4-56262373-CA-GG.
Other names: short protein forms P6R.
Identifiers: ClinVar variation 2065208 (VCV002065208.4), dbSNP rs2545476408, ClinGen allele CA2580071163.
Genomic context (GRCh38, chr4:55,396,206, plus strand): 5'-ACTTCCTCTTGCGGCGCCCGTGCGCGGCCGGCCCGGCAGGCGGGATGGCGGCCGCGGCTC[CA>GG]GGGAACGGCCGCGCATCGGCGCCCCGGCTGCTTCTGCTCTTTCTGGTTCCGCTGCTGTGG-3'
Protein context (NP_060945.2, residues 1-16): MAAAA[Pro6Arg]GNGRASAPRL